The following is an entry in ClinVar:

NM_152564.5(VPS13B):c.9029C>A (p.Thr3010Lys)

Gene: VPS13B (vacuolar protein sorting 13 homolog B; plus strand). Cytogenetic location: 8q22.2.
Variant type: single nucleotide variant.
Coding change: c.9029C>A on transcript NM_152564.5 (MANE Select); coding-DNA position 9029, C replaced by A.
Protein change: p.Thr3010Lys; replaces threonine 3010 with lysine.
Molecular consequence: missense variant.
Genome position (GRCh38, 1-based): chr8:99,821,328, C>A. VCF-style: chr8-99821328-C-A. GRCh37 (hg19) VCF-style: chr8-100833556-C-A.
Other names: c.9104C>A, p.Thr3035Lys (NM_017890.5); short protein forms T3035K, T3010K.
Identifiers: ClinVar variation 2078028 (VCV002078028.4), dbSNP rs2492020361, ClinGen allele CA371778028.
Genomic context (GRCh38, chr8:99,821,328, plus strand): 5'-TTATAATTGAGGCATTATTTTTCCAGGAAGCTTTTCAAATTGGAATATACTGGGCAAATA[C>A]AAACACTGTGCACAAGTCAGTAGCAATTAAACTGGTCCATAACCTGACATCTCCAAAGTG-3'
Protein context (NP_689777.3, residues 3000-3020): AFQIGIYWAN[Thr3010Lys]NTVHKSVAIK

ClinVar aggregate classification (germline): Uncertain significance (1 of 4 stars; one submission).

Conditions:
Cohen syndrome (COH1). Also called: PEPPER SYNDROME; Cutis verticis gyrata, retinitis pigmentosa, and sensorineural deafness. Identifiers: Orphanet 193, MedGen C0265223, MONDO:0008999, OMIM 216550.

Submission:

Labcorp Genetics (formerly Invitae), Labcorp
Classification: Uncertain significance for Cohen syndrome. Last evaluated: 2024-03-04. Review status: criteria provided, single submitter. Criteria: Invitae Variant Classification Sherloc (09022015). Collection method: clinical testing. Allele origin: germline.
Comment: This sequence change replaces threonine, which is neutral and polar, with lysine, which is basic and polar, at codon 3035 of the VPS13B protein (p.Thr3035Lys). This variant is not present in population databases (gnomAD no frequency). This variant has not been reported in the literature in individuals affected with VPS13B-related conditions. ClinVar contains an entry for this variant (Variation ID: 2078028). Advanced modeling of protein sequence and biophysical properties (such as structural, functional, and spatial information, amino acid conservation, physicochemical variation, residue mobility, and thermodynamic stability) performed at Invitae indicates that this missense variant is expected to disrupt VPS13B protein function with a positive predictive value of 80%. In summary, the available evidence is currently insufficient to determine the role of this variant in disease. Therefore, it has been classified as a Variant of Uncertain Significance.